The following is an entry in ClinVar:

ClinVar aggregate classification (germline): Uncertain significance (1 of 4 stars; one submission).

Submission:

GeneDx
Classification: Uncertain significance. Last evaluated: 2024-06-01. Review status: criteria provided, single submitter. Criteria: GeneDx Variant Classification Process June 2021. Collection method: clinical testing. Allele origin: germline. Affected: yes.
Comment: Not observed at significant frequency in large population cohorts (gnomAD); In silico analysis supports that this missense variant has a deleterious effect on protein structure/function; Has not been previously published as pathogenic or benign to our knowledge

NM_181303.2(NLGN3):c.764A>T (p.Asn255Ile)

Gene: NLGN3 (neuroligin 3; plus strand). Cytogenetic location: Xq13.1.
Variant type: single nucleotide variant.
Coding change: c.764A>T on transcript NM_181303.2 (MANE Select); coding-DNA position 764, A replaced by T.
Protein change: p.Asn255Ile; replaces asparagine 255 with isoleucine.
Molecular consequence: missense variant.
Genome position (GRCh38, 1-based): chrX:71,164,179, A>T. VCF-style: chrX-71164179-A-T. GRCh37 (hg19) VCF-style: chrX-70384029-A-T.
Other names: c.644A>T, p.Asn215Ile (NM_001166660.2); c.353A>T, p.Asn118Ile (NM_001321276.2); c.704A>T, p.Asn235Ile (NM_018977.4); short protein forms N118I, N215I, N235I, N255I.
Identifiers: ClinVar variation 3383863 (VCV003383863.1).